The following is an entry in ClinVar:

NM_004006.3(DMD):c.6099_6100delinsTT (p.Lys2033_Gln2034delinsAsnTer)

Gene: DMD (dystrophin; minus strand). Cytogenetic location: Xp21.1.
Variant type: Indel.
Coding change: c.6099_6100delinsTT on transcript NM_004006.3 (MANE Select); coding-DNA positions 6099 to 6100, GC replaced by TT.
Protein change: p.Lys2033_Gln2034delinsAsnTer.
Molecular consequence: nonsense.
Genome position (GRCh38, 1-based): chrX:32,310,099-32,310,100, GC replaced by AA on the plus strand (GC replaced by TT on the coding strand, the reverse complement: DMD is on the minus strand). VCF-style: chrX-32310099-GC-AA. GRCh37 (hg19) VCF-style: chrX-32328216-GC-AA.
Other names: c.6075_6076delinsTT, p.Lys2025_Gln2026delinsAsnTer (NM_000109.4); c.6087_6088delinsTT, p.Lys2029_Gln2030delinsAsnTer (NM_004009.3); c.5730_5731delinsTT, p.Lys1910_Gln1911delinsAsnTer (NM_004010.3); c.2076_2077delinsTT, p.Lys692_Gln693delinsAsnTer (NM_004011.4); c.2067_2068delinsTT, p.Lys689_Gln690delinsAsnTer (NM_004012.4).
Identifiers: ClinVar variation 2848036 (VCV002848036.3), dbSNP rs2520266428, ClinGen allele CA2739268173.

ClinVar aggregate classification (germline): Pathogenic (1 of 4 stars; one submission).

Conditions:
Duchenne muscular dystrophy (DMD). Also called: MUSCULAR DYSTROPHY, PSEUDOHYPERTROPHIC PROGRESSIVE, DUCHENNE TYPE; Duchenne Muscular Dystrophy (DMD). Identifiers: Orphanet 98896, MedGen C0013264, MONDO:0010679, OMIM 310200.

Submission:

Labcorp Genetics (formerly Invitae), Labcorp
Classification: Pathogenic for Duchenne muscular dystrophy. Last evaluated: 2023-03-21. Review status: criteria provided, single submitter. Criteria: Invitae Variant Classification Sherloc (09022015). Collection method: clinical testing. Allele origin: germline.
Comment: Information on the frequency of this variant in the gnomAD database is not available, as this variant may be reported differently in the database. This sequence change creates a premature translational stop signal (p.Lys2033_Gln2034delinsAsn*) in the DMD gene. It is expected to result in an absent or disrupted protein product. Loss-of-function variants in DMD are known to be pathogenic (PMID: 16770791, 25007885). This variant has not been reported in the literature in individuals affected with DMD-related conditions. For these reasons, this variant has been classified as Pathogenic.

Literature cited by the submitters: PubMed 16770791; PubMed 25007885.